The following is an entry in ClinVar:

ClinVar aggregate classification (germline): Uncertain significance. Review status: criteria provided, multiple submitters, no conflicts (2 of 4 stars). 2 submissions from 2 submitters: Uncertain significance (2). Last evaluated 2025-07-28.

Conditions:
Cardiovascular phenotype. Identifiers: MedGen CN230736.
DK1-congenital disorder of glycosylation. Also called: CONGENITAL DISORDER OF GLYCOSYLATION, TYPE Im; CDG Im; DK1 DEFICIENCY; DOLICHOL KINASE DEFICIENCY; DOLK-congenital disorder of glycosylation; Carbohydrate deficient glycoprotein syndrome type 1m. Identifiers: Orphanet 91131, MedGen C1835849, MONDO:0012556, OMIM 610768.

Allele frequency attached by ClinVar (database versions not stated): gnomAD exomes below 0.00001; TOPMed below 0.00001; gnomAD 0.00001; ExAC 0.00002.

Submissions (2):

Ambry Genetics
Classification: Uncertain significance for Cardiovascular phenotype. Last evaluated: 2025-07-28. Review status: criteria provided, single submitter. Criteria: Ambry Variant Classification Scheme 2023. Collection method: clinical testing. Allele origin: germline.
Comment: The p.M248T variant (also known as c.743T>C), located in coding exon 1 of the DOLK gene, results from a T to C substitution at nucleotide position 743. The methionine at codon 248 is replaced by threonine, an amino acid with similar properties. This amino acid position is conserved. In addition, this alteration is predicted to be deleterious by in silico analysis. Since supporting evidence is limited at this time, the clinical significance of this alteration remains unclear.

Labcorp Genetics (formerly Invitae), Labcorp
Classification: Uncertain significance for DK1-congenital disorder of glycosylation. Last evaluated: 2022-09-16. Review status: criteria provided, single submitter. Criteria: Invitae Variant Classification Sherloc (09022015). Collection method: clinical testing. Allele origin: germline.
Comment: This sequence change replaces methionine, which is neutral and non-polar, with threonine, which is neutral and polar, at codon 248 of the DOLK protein (p.Met248Thr). This variant is present in population databases (rs763617373, gnomAD 0.004%). This variant has not been reported in the literature in individuals affected with DOLK-related conditions. Advanced modeling of protein sequence and biophysical properties (such as structural, functional, and spatial information, amino acid conservation, physicochemical variation, residue mobility, and thermodynamic stability) performed at Invitae indicates that this missense variant is not expected to disrupt DOLK protein function. In summary, the available evidence is currently insufficient to determine the role of this variant in disease. Therefore, it has been classified as a Variant of Uncertain Significance.

NM_014908.4(DOLK):c.743T>C (p.Met248Thr)

Gene: DOLK (dolichol kinase; minus strand). Cytogenetic location: 9q34.11.
Variant type: single nucleotide variant.
Coding change: c.743T>C on transcript NM_014908.4 (MANE Select); coding-DNA position 743, T replaced by C.
Protein change: p.Met248Thr; replaces methionine 248 with threonine.
Molecular consequence: missense variant.
Genome position (GRCh38, 1-based): chr9:128,946,561, A>G on the plus strand (T>C on the coding strand, the complement: DOLK is on the minus strand). VCF-style: chr9-128946561-A-G. GRCh37 (hg19) VCF-style: chr9-131708840-A-G.
Other names: short protein forms M248T.
Identifiers: ClinVar variation 1758929 (VCV001758929.7), dbSNP rs763617373, ClinGen allele CA5271695.
Genomic context (GRCh38, chr9:128,946,561, plus strand): 5'-AGGCTCAGCACACAGGTCATGAGGTGGAAGAAGATGGAGGAGGCCCAGGTGCCTGAGTCC[A>G]TGAAGACAAACAGAGTGCTGAAGAAAATGCCCATGAGTACCATCCCTACTACCACCACCA-3'
Protein context (NP_055723.1, residues 238-258): GIFFSTLFVF[Met248Thr]DSGTWASSIF